The following is an entry in ClinVar:

ClinVar aggregate classification (germline): Benign/Likely benign. Review status: criteria provided, multiple submitters, no conflicts (2 of 4 stars). 8 submissions from 8 submitters: Benign (3); Likely benign (5). Last evaluated 2026-02-02.

Conditions:
Anterior segment dysgenesis. Also called: Ocular anterior segment dysgenesis. Identifiers: Orphanet 88632, MedGen C1862839, MONDO:0019503, HP:0007700.
Congenital primary aphakia. Also called: ANTERIOR SEGMENT DYSGENESIS 2; Anterior segment dysgenesis 2, multiple subtypes. Identifiers: Orphanet 83461, MedGen C1853230, MONDO:0012456, OMIM 610256.
Cardiovascular phenotype. Identifiers: MedGen CN230736.
Familial thoracic aortic aneurysm and aortic dissection (TAAD). Also called: Thoracic aortic aneurysms and dissections. Identifiers: Orphanet 91387, MedGen C4707243, MONDO:0019625.

Allele frequency attached by ClinVar (database versions not stated): 1000 Genomes Project 30x 0.00156; 1000 Genomes Project 0.00160; TOPMed 0.00207; gnomAD exomes 0.00302 and 0.00502; gnomAD 0.00340 and 0.00350; ExAC 0.00556.

Submissions (8):

Labcorp Genetics (formerly Invitae), Labcorp
Classification: Benign for Anterior segment dysgenesis; Congenital primary aphakia. Last evaluated: 2026-02-02. Review status: criteria provided, single submitter. Criteria: Invitae Variant Classification Sherloc (09022015). Collection method: clinical testing. Allele origin: germline.

ARUP Laboratories, Molecular Genetics and Genomics, ARUP Laboratories
Classification: Likely benign. Last evaluated: 2025-02-21. Review status: criteria provided, single submitter. Criteria: ARUP Molecular Germline Variant Investigation Process 2024. Collection method: clinical testing. Allele origin: germline.

CeGaT Center for Human Genetics Tuebingen
Classification: Benign. Last evaluated: 2025-02-01. Review status: criteria provided, single submitter. Criteria: CeGaT Center For Human Genetics Tuebingen Variant Classification Criteria Version 2. Collection method: clinical testing. Allele origin: germline. Affected: yes. Observed: 5 variant alleles.
Comment: FOXE3: BS1, BS2

GeneDx
Classification: Likely benign. Last evaluated: 2024-05-25. Review status: criteria provided, single submitter. Criteria: GeneDx Variant Classification Process June 2021. Collection method: clinical testing. Allele origin: germline.
Comment: See Variant Classification Assertion Criteria.

Women's Health and Genetics/Laboratory Corporation of America, LabCorp
Classification: Likely benign. Last evaluated: 2023-08-10. Review status: criteria provided, single submitter. Criteria: LabCorp Variant Classification Summary - May 2015. Collection method: clinical testing. Allele origin: germline.

CHEO Genetics Diagnostic Laboratory, Children's Hospital of Eastern Ontario
Classification: Benign for Familial thoracic aortic aneurysm and aortic dissection. Last evaluated: 2023-01-25. Review status: criteria provided, single submitter. Criteria: ACMG Guidelines, 2015. Collection method: clinical testing. Allele origin: germline.

Ambry Genetics
Classification: Likely benign for Cardiovascular phenotype. Last evaluated: 2019-01-09. Review status: criteria provided, single submitter. Criteria: Ambry Variant Classification Scheme 2023. Collection method: clinical testing. Allele origin: germline.

Eurofins Ntd Llc (ga)
Classification: Likely benign. Last evaluated: 2016-03-12. Review status: criteria provided, single submitter. Criteria: EGL Classification Definitions 2015. Collection method: clinical testing. Allele origin: germline. Observed: 1 variant allele, 1 heterozygote.

Literature cited by the submitters: PubMed 11159941 (cited by Ambry Genetics); PubMed 20140963 (cited by Ambry Genetics).

NM_012186.3(FOXE3):c.898A>G (p.Ser300Gly)

Genes: FOXE3 (forkhead box E3; plus strand), LINC01389 (long independently transcribed non-coding RNA 1389; minus strand). Cytogenetic location: 1p33.
Variant type: single nucleotide variant.
Coding change: c.898A>G on transcript NM_012186.3 (MANE Select); coding-DNA position 898, A replaced by G.
Protein change: p.Ser300Gly; replaces serine 300 with glycine.
Molecular consequence: missense variant.
Genome position (GRCh38, 1-based): chr1:47,417,213, A>G. VCF-style: chr1-47417213-A-G. GRCh37 (hg19) VCF-style: chr1-47882885-A-G.
Other names: short protein forms S300G.
Identifiers: ClinVar variation 286610 (VCV000286610.52), dbSNP rs552420470, ClinGen allele CA843017.